The following is an entry in ClinVar:

NM_000426.4(LAMA2):c.9038A>C (p.Asp3013Ala)

Gene: LAMA2 (laminin subunit alpha 2; plus strand). Cytogenetic location: 6q22.33.
Variant type: single nucleotide variant.
Coding change: c.9038A>C on transcript NM_000426.4 (MANE Select); coding-DNA position 9038, A replaced by C.
Protein change: p.Asp3013Ala; replaces aspartic acid 3013 with alanine.
Molecular consequence: missense variant.
Genome position (GRCh38, 1-based): chr6:129,514,422, A>C. VCF-style: chr6-129514422-A-C. GRCh37 (hg19) VCF-style: chr6-129835567-A-C.
Other names: c.9026A>C, p.Asp3009Ala (NM_001079823.2); short protein forms D3013A, D3009A.
Identifiers: ClinVar variation 543841 (VCV000543841.13), dbSNP rs765377729, ClinGen allele CA3995023.

ClinVar aggregate classification (germline): Uncertain significance. Review status: criteria provided, multiple submitters, no conflicts (2 of 4 stars). 4 submissions from 4 submitters: Uncertain significance (3). 1 of the submissions does not count toward it. Last evaluated 2025-08-07.

Conditions:
LAMA2-related disorder. Also called: LAMA2-related condition; LAMA2-related disorders.
LAMA2-related muscular dystrophy (LAMA2-RD). Also called: Laminin alpha 2-related dystrophy. Identifiers: MedGen C5679788, MONDO:0100228.

Allele frequency attached by ClinVar (database versions not stated): ExAC 0.00001; gnomAD exomes 0.00001.
gnomAD v4.1: 28 of 1,613,916 alleles (0.0017%); highest among the groups gnomAD compares: African/African-American, 0.025%; 2 homozygotes.

Submissions (4):

Revvity Omics, Revvity
Classification: Uncertain significance. Last evaluated: 2025-08-07. Review status: criteria provided, single submitter. Criteria: ACMG Guidelines, 2015. Collection method: clinical testing. Allele origin: germline.

Labcorp Genetics (formerly Invitae), Labcorp
Classification: Uncertain significance for LAMA2-related muscular dystrophy. Last evaluated: 2022-08-31. Review status: criteria provided, single submitter. Criteria: Invitae Variant Classification Sherloc (09022015). Collection method: clinical testing. Allele origin: germline.
Comment: This sequence change replaces aspartic acid, which is acidic and polar, with alanine, which is neutral and non-polar, at codon 3013 of the LAMA2 protein (p.Asp3013Ala). This variant is not present in population databases (gnomAD no frequency). This variant has not been reported in the literature in individuals affected with LAMA2-related conditions. ClinVar contains an entry for this variant (Variation ID: 543841). Advanced modeling of protein sequence and biophysical properties (such as structural, functional, and spatial information, amino acid conservation, physicochemical variation, residue mobility, and thermodynamic stability) performed at Invitae indicates that this missense variant is not expected to disrupt LAMA2 protein function. In summary, the available evidence is currently insufficient to determine the role of this variant in disease. Therefore, it has been classified as a Variant of Uncertain Significance.

Mayo Clinic Laboratories, Mayo Clinic
Classification: Uncertain significance. Last evaluated: 2019-05-20. Review status: criteria provided, single submitter. Criteria: ACMG Guidelines, 2015. Collection method: clinical testing. Allele origin: germline. Observed: 1 variant allele.

PreventionGenetics, part of Exact Sciences
Classification: Uncertain significance for LAMA2-related condition. Last evaluated: 2024-07-27. Review status: no assertion criteria provided. Collection method: clinical testing. Allele origin: germline. Not counted in ClinVar's aggregate classification.
Comment: The LAMA2 c.9038A>C variant is predicted to result in the amino acid substitution p.Asp3013Ala. To our knowledge, this variant has not been reported in the literature or in a large population database, indicating this variant is rare. At this time, the clinical significance of this variant is uncertain due to the absence of conclusive functional and genetic evidence.